The following is an entry in ClinVar:

ClinVar aggregate classification (germline): Pathogenic (1 of 4 stars; one submission).

Conditions:
Early-infantile DEE. Also called: Ohtahara syndrome; Early infantile epileptic encephalopathy with suppression bursts; Early infantile epileptic encephalopathy. Identifiers: Orphanet 1934, MedGen C0393706, MONDO:0800491.

Submission:

Labcorp Genetics (formerly Invitae), Labcorp
Classification: Pathogenic for Early-infantile DEE. Last evaluated: 2022-10-08. Review status: criteria provided, single submitter. Criteria: Invitae Variant Classification Sherloc (09022015). Collection method: clinical testing. Allele origin: germline.
Comment: For these reasons, this variant has been classified as Pathogenic. This variant has not been reported in the literature in individuals affected with KCNQ2-related conditions. This variant is not present in population databases (gnomAD no frequency). This sequence change creates a premature translational stop signal (p.Glu46Argfs*87) in the KCNQ2 gene. It is expected to result in an absent or disrupted protein product. Loss-of-function variants in KCNQ2 are known to be pathogenic (PMID: 14534157, 23692823, 27779742).

Literature cited by the submitters: PubMed 14534157; PubMed 23692823; PubMed 27779742.

NM_172107.4(KCNQ2):c.135del (p.Glu46fs)

Gene: KCNQ2 (potassium voltage-gated channel subfamily Q member 2; minus strand). Cytogenetic location: 20q13.33.
Variant type: Deletion.
Coding change: c.135del on transcript NM_172107.4 (MANE Select); coding-DNA position 135, one base deleted (C; older notation c.135delC).
Protein change: p.Glu46fs; shifts the reading frame from glutamic acid 46.
Molecular consequence: frameshift variant.
Genome position (GRCh38, 1-based): chr20:63,472,329, G deleted on the plus strand (C on the coding strand, the reverse complement: KCNQ2 is on the minus strand); the first of 2 consecutive G bases (chr20:63,472,329-63,472,330); deleting either gives the same sequence. VCF-style (leftmost placement, unchanged base first): chr20-63472328-CG-C. GRCh37 (hg19) VCF-style: chr20-62103681-CG-C.
Other names: c.135del, p.Glu46fs (NM_001382235.1, NM_004518.6, NM_172106.3 and 2 more transcripts); short protein forms E46fs.
Identifiers: ClinVar variation 2023563 (VCV002023563.4), dbSNP rs2516745503, ClinGen allele CA2580098413.